The following is an entry in ClinVar:

NM_015425.6(POLR1A):c.3944A>G (p.Tyr1315Cys)

Gene: POLR1A (RNA polymerase I subunit A; minus strand). Cytogenetic location: 2p11.2.
Variant type: single nucleotide variant.
Coding change: c.3944A>G on transcript NM_015425.6 (MANE Select); coding-DNA position 3944, A replaced by G.
Protein change: p.Tyr1315Cys; replaces tyrosine 1315 with cysteine.
Molecular consequence: missense variant.
Genome position (GRCh38, 1-based): chr2:86,038,790, T>C on the plus strand (A>G on the coding strand, the complement: POLR1A is on the minus strand). VCF-style: chr2-86038790-T-C. GRCh37 (hg19) VCF-style: chr2-86265913-T-C.
Other names: short protein forms Y1315C.
Identifiers: ClinVar variation 2788316 (VCV002788316.3), dbSNP rs1573804664, ClinGen allele CA347550096.
Genomic context (GRCh38, chr2:86,038,790, plus strand): 5'-GGTCTCAGGCACTTCTCCTGCTGGTAATATGCATGTGGCAGGAACTGAAACCGCAGCTGG[T>C]ACACCTGGAATTTGTTCTGTTTTTCTTCCATACAGAAGGACTCCTGGACGTCAATTTTCT-3'
Protein context (NP_056240.2, residues 1305-1325): MEEKQNKFQV[Tyr1315Cys]QLRFQFLPHA

ClinVar aggregate classification (germline): Uncertain significance (1 of 4 stars; one submission).

Allele frequency attached by ClinVar (database versions not stated): gnomAD exomes below 0.00001; TOPMed below 0.00001.
gnomAD v4.1: 6 of 1,614,006 alleles (0.00037%); highest among the groups gnomAD compares: Non-Finnish European, 0.00051%; no homozygotes.

Submission:

Labcorp Genetics (formerly Invitae), Labcorp
Classification: Uncertain significance. Last evaluated: 2023-10-08. Review status: criteria provided, single submitter. Criteria: Invitae Variant Classification Sherloc (09022015). Collection method: clinical testing. Allele origin: germline.
Comment: This sequence change replaces tyrosine, which is neutral and polar, with cysteine, which is neutral and slightly polar, at codon 1315 of the POLR1A protein (p.Tyr1315Cys). This variant is not present in population databases (gnomAD no frequency). This variant has not been reported in the literature in individuals affected with POLR1A-related conditions. Advanced modeling of protein sequence and biophysical properties (such as structural, functional, and spatial information, amino acid conservation, physicochemical variation, residue mobility, and thermodynamic stability) performed at Invitae indicates that this missense variant is not expected to disrupt POLR1A protein function. In summary, the available evidence is currently insufficient to determine the role of this variant in disease. Therefore, it has been classified as a Variant of Uncertain Significance.